The following is an entry in ClinVar:

ClinVar aggregate classification (germline): Uncertain significance. Review status: criteria provided, multiple submitters, no conflicts (2 of 4 stars). 2 submissions from 2 submitters: Uncertain significance (2). Last evaluated 2025-08-21.

Conditions:
Inborn genetic diseases. Identifiers: MedGen C0950123, MeSH D030342.

Allele frequency attached by ClinVar (database versions not stated): ExAC 0.00003; gnomAD 0.00004; TOPMed 0.00006; gnomAD exomes 0.00001.
gnomAD v4.1: 26 of 1,606,884 alleles (0.0016%); highest among the groups gnomAD compares: African/African-American, 0.012%; no homozygotes.

Submissions (2):

Ambry Genetics
Classification: Uncertain significance for Inborn genetic diseases. Last evaluated: 2025-08-21. Review status: criteria provided, single submitter. Criteria: Ambry Variant Classification Scheme 2023. Collection method: clinical testing. Allele origin: germline.

Labcorp Genetics (formerly Invitae), Labcorp
Classification: Uncertain significance. Last evaluated: 2022-03-30. Review status: criteria provided, single submitter. Criteria: Invitae Variant Classification Sherloc (09022015). Collection method: clinical testing. Allele origin: germline.
Comment: This sequence change replaces alanine, which is neutral and non-polar, with threonine, which is neutral and polar, at codon 269 of the DTNBP1 protein (p.Ala269Thr). This variant is present in population databases (rs775997143, gnomAD 0.02%). This variant has not been reported in the literature in individuals affected with DTNBP1-related conditions. Algorithms developed to predict the effect of missense changes on protein structure and function (SIFT, PolyPhen-2, Align-GVGD) all suggest that this variant is likely to be tolerated. In summary, the available evidence is currently insufficient to determine the role of this variant in disease. Therefore, it has been classified as a Variant of Uncertain Significance.

NM_032122.5(DTNBP1):c.805G>A (p.Ala269Thr)

Gene: DTNBP1 (dystrobrevin binding protein 1; minus strand). Cytogenetic location: 6p22.3.
Variant type: single nucleotide variant.
Coding change: c.805G>A on transcript NM_032122.5 (MANE Select); coding-DNA position 805, G replaced by A.
Protein change: p.Ala269Thr; replaces alanine 269 with threonine.
Molecular consequence: missense variant. On other transcripts: non-coding transcript variant (1).
Genome position (GRCh38, 1-based): chr6:15,524,532, C>T on the plus strand (G>A on the coding strand, the complement: DTNBP1 is on the minus strand). VCF-style: chr6-15524532-C-T. GRCh37 (hg19) VCF-style: chr6-15524763-C-T.
Other names: c.562G>A, p.Ala188Thr (NM_001271667.2, NM_183041.1); c.754G>A, p.Ala252Thr (NM_001271668.2); c.700G>A, p.Ala234Thr (NM_001271669.2); c.805G>A, p.Ala269Thr (NM_183040.2); short protein forms A252T, A269T, A188T, A234T.
Identifiers: ClinVar variation 2059938 (VCV002059938.2), dbSNP rs775997143, ClinGen allele CA3643885.